The following is an entry in ClinVar:

NM_001323289.2(CDKL5):c.2469C>T (p.Pro823=)

Gene: CDKL5 (cyclin dependent kinase like 5; plus strand). Cytogenetic location: Xp22.13.
Variant type: single nucleotide variant.
Coding change: c.2469C>T on transcript NM_001323289.2 (MANE Select); coding-DNA position 2469, C replaced by T.
Protein change: p.Pro823=; no amino-acid change (proline 823 retained).
Molecular consequence: synonymous variant.
Genome position (GRCh38, 1-based): chrX:18,625,220, C>T. VCF-style: chrX-18625220-C-T. GRCh37 (hg19) VCF-style: chrX-18643340-C-T.
Other names: NM_001323289.2(CDKL5):c.2469C>T; p.Pro823=; c.2469C>T, p.Pro823= (NM_001037343.2, NM_003159.3).
Identifiers: ClinVar variation 287145 (VCV000287145.14), dbSNP rs369377144, ClinGen allele CA10360543.

ClinVar aggregate classification (germline): Benign. Review status: reviewed by expert panel (3 of 4 stars). 4 submissions from 4 submitters: Benign (1). 3 of the submissions do not count toward it. Last evaluated 2023-12-06.

Conditions:
Angelman syndrome-like. Identifiers: MedGen CN128785.
Developmental and epileptic encephalopathy, 2 (DEE2). Also called: INFANTILE SPASM SYNDROME, X-LINKED 2; CDKL5 deficiency disorder. Identifiers: Orphanet 1934, Orphanet 3451, Orphanet 505652, MedGen C4750718, MONDO:0010396, OMIM 300672.
CDKL5 disorder. Identifiers: MedGen CN296942, MONDO:0100039.

Allele frequency attached by ClinVar (database versions not stated): gnomAD exomes 0.00002; ExAC 0.00003; gnomAD 0.00005; TOPMed 0.00005; ESP Exome Variant Server 0.00019.
gnomAD v4.1: 25 of 1,206,057 alleles (0.0021%); highest among the groups gnomAD compares: African/African-American, 0.0089%; no homozygotes.

Submissions (4):

ClinGen Rett and Angelman-like Disorders Variant Curation Expert Panel
Classification: Benign for CDKL5 disorder. Last evaluated: 2023-12-06. Review status: reviewed by expert panel. Criteria: ClinGen RettAS ACMG Specifications CDKL5 V3.0.0. Collection method: curation. Allele origin: germline. Inheritance: X-linked inheritance.
Comment: The allele frequency of the p.Pro823= variant in CDKL5 is 0.0088% in African/African American sub population in gnomAD v4, which is high enough to meet the BS1 criteria based on thresholds defined by the ClinGen Rett/Angelman-like Expert Panel for Rett/AS-like conditions (BS1). The p.Pro823= variant is observed in at least 2 unaffected individuals (GeneDX internal database) (BS2). The silent p.Pro823= variant is not predicted to affect splicing using multiple computational tools and does not affect a highly conserved nucleotide (BP7). In summary, the p.Pro823= variant in CDKL5 is classified as benign based on the ACMG/AMP criteria (BS1, BS2, BP7).

Labcorp Genetics (formerly Invitae), Labcorp
Classification: Likely benign for Developmental and epileptic encephalopathy, 2; Angelman syndrome-like. Last evaluated: 2025-08-29. Review status: criteria provided, single submitter. Criteria: Invitae Variant Classification Sherloc (09022015). Collection method: clinical testing. Allele origin: germline. Not counted in ClinVar's aggregate classification.

Eurofins Ntd Llc (ga)
Classification: Uncertain significance. Last evaluated: 2016-04-29. Review status: criteria provided, single submitter. Criteria: EGL Classification Definitions 2015. Collection method: clinical testing. Allele origin: germline. Observed: 1 variant allele, 1 heterozygote. Not counted in ClinVar's aggregate classification.

GeneDx
Classification: Likely benign. Last evaluated: 2015-10-06. Review status: criteria provided, single submitter. Criteria: GeneDx Variant Classification (06012015). Collection method: clinical testing. Allele origin: germline. Affected: yes. Not counted in ClinVar's aggregate classification.
Comment: This variant is considered likely benign or benign based on one or more of the following criteria: it is a conservative change, it occurs at a poorly conserved position in the protein, it is predicted to be benign by multiple in silico algorithms, and/or has population frequency not consistent with disease.